The following is an entry in ClinVar:

NM_014141.6(CNTNAP2):c.892C>T (p.His298Tyr)

Gene: CNTNAP2 (contactin associated protein 2; plus strand). Cytogenetic location: 7q35.
Variant type: single nucleotide variant.
Coding change: c.892C>T on transcript NM_014141.6 (MANE Select); coding-DNA position 892, C replaced by T.
Protein change: p.His298Tyr; replaces histidine 298 with tyrosine.
Molecular consequence: missense variant.
Genome position (GRCh38, 1-based): chr7:147,121,116, C>T. VCF-style: chr7-147121116-C-T. GRCh37 (hg19) VCF-style: chr7-146818208-C-T.
Other names: short protein forms H298Y.
Identifiers: ClinVar variation 2008208 (VCV002008208.4), dbSNP rs1563083883, ClinGen allele CA369924003.

ClinVar aggregate classification (germline): Uncertain significance (1 of 4 stars; one submission).

Conditions:
Cortical dysplasia-focal epilepsy syndrome (PTHSL1). Also called: Pitt-Hopkins-like syndrome 1. Identifiers: Orphanet 163681, Orphanet 221150, MedGen C2750246, MONDO:0012400, OMIM 610042.

Allele frequency attached by ClinVar (database versions not stated): gnomAD exomes below 0.00001.
gnomAD v4.1: 5 of 1,614,136 alleles (0.00031%); highest among the groups gnomAD compares: Non-Finnish European, 0.00042%; no homozygotes.

Submission:

Labcorp Genetics (formerly Invitae), Labcorp
Classification: Uncertain significance for Cortical dysplasia-focal epilepsy syndrome. Last evaluated: 2022-10-25. Review status: criteria provided, single submitter. Criteria: Invitae Variant Classification Sherloc (09022015). Collection method: clinical testing. Allele origin: germline.
Comment: This sequence change replaces histidine, which is basic and polar, with tyrosine, which is neutral and polar, at codon 298 of the CNTNAP2 protein (p.His298Tyr). This variant is not present in population databases (gnomAD no frequency). This variant has not been reported in the literature in individuals affected with CNTNAP2-related conditions. Algorithms developed to predict the effect of missense changes on protein structure and function are either unavailable or do not agree on the potential impact of this missense change (SIFT: "Deleterious"; PolyPhen-2: "Benign"; Align-GVGD: "Class C0"). In summary, the available evidence is currently insufficient to determine the role of this variant in disease. Therefore, it has been classified as a Variant of Uncertain Significance.